The following is an entry in ClinVar:

ClinVar aggregate classification (germline): Uncertain significance (1 of 4 stars; one submission).

Conditions:
Acute myeloid leukemia (AML). Also called: Acute myeloid leukemia, adult; AML adult; Acute non-lymphocytic leukemia; Acute granulocytic leukemia; Leukemia, acute myeloid, somatic; Leukemia, acute myelogenous, somatic. Identifiers: Orphanet 519, MedGen C0023467, MeSH D015470, MONDO:0018874, OMIM 601626, HP:0004808. Disease mechanism: Constitutively activated FLT3.
Cutaneous mastocytosis. Also called: MASTOCYTOSIS, MACULOPAPULAR CUTANEOUS. Identifiers: Orphanet 66646, MedGen C1136033, MONDO:0019023, OMIM 154800, HP:0200151.
Germ cell tumor of testis (TGCT). Also called: GERM CELL TUMOR, SOMATIC; Testicular germ cell tumor. Identifiers: Orphanet 363504, MedGen C1336708, MONDO:0010108, OMIM 273300.
Piebaldism. Also called: Piebald skin depigmentation. Identifiers: Orphanet 2884, MedGen C0080024, MONDO:0008244, OMIM 172800, HP:0007544.
Gastrointestinal stromal tumor. Also called: Gastrointestinal stroma tumor; Gastrointestinal stromal tumor, somatic. Identifiers: Orphanet 44890, MedGen C0238198, MeSH D046152, MONDO:0011719, OMIM 606764, HP:0100723.

Submission:

Juno Genomics, Hangzhou Juno Genomics, Inc
Classification: Uncertain significance for Gastrointestinal stromal tumor; Germ cell tumor of testis; Acute myeloid leukemia; Cutaneous mastocytosis; Piebaldism. Review status: criteria provided, single submitter. Criteria: ACMG Guidelines, 2015. Collection method: clinical testing. Allele origin: germline. Affected: yes.
Comment: Absent from controls (or at extremely low frequency if recessive) in Genome Aggregation Database, Exome Sequencing Project, 1000 Genomes Project, or Exome Aggregation Consortium.;Multiple lines of computational evidence support a deleterious effect on the gene or gene product (conservation, evolutionary, splicing impact, etc).;Missense variant in a gene that has a low rate of benign missense variation and where missense variants are a common mechanism of disease.

NM_000222.3(KIT):c.2449A>T (p.Ile817Phe)

Gene: KIT (KIT proto-oncogene, receptor tyrosine kinase; plus strand). Cytogenetic location: 4q12.
Variant type: single nucleotide variant.
Coding change: c.2449A>T on transcript NM_000222.3 (MANE Select); coding-DNA position 2449, A replaced by T.
Protein change: p.Ile817Phe; replaces isoleucine 817 with phenylalanine.
Molecular consequence: missense variant.
Genome position (GRCh38, 1-based): chr4:54,733,157, A>T. VCF-style: chr4-54733157-A-T. GRCh37 (hg19) VCF-style: chr4-55599323-A-T.
Other names: c.2437A>T, p.Ile813Phe (NM_001093772.2, NM_001385292.1); c.2452A>T, p.Ile818Phe (NM_001385284.1); c.2446A>T, p.Ile816Phe (NM_001385285.1); c.2434A>T, p.Ile812Phe (NM_001385286.1); c.2440A>T, p.Ile814Phe (NM_001385288.1); c.2449A>T, p.Ile817Phe (NM_001385290.1); short protein forms I812F, I813F, I814F, I816F, I817F, I818F.
Identifiers: ClinVar variation 3382507 (VCV003382507.2).